The following is an entry in ClinVar:

NM_001278116.2(L1CAM):c.523+12C>T

Gene: L1CAM (L1 cell adhesion molecule; minus strand). Cytogenetic location: Xq28.
Variant type: single nucleotide variant.
Coding change: c.523+12C>T on transcript NM_001278116.2 (MANE Select); 12 bases into the intron after coding-DNA position 523, C replaced by T.
Molecular consequence: intron variant.
Genome position (GRCh38, 1-based): chrX:153,871,045, G>A on the plus strand (C>T on the coding strand, the complement: L1CAM is on the minus strand). VCF-style: chrX-153871045-G-A. GRCh37 (hg19) VCF-style: chrX-153136500-G-A.
Other names: c.508+12C>T (NM_001143963.2); c.523+12C>T (NM_024003.3, NM_000425.5).
Identifiers: ClinVar variation 265222 (VCV000265222.11), dbSNP rs886039406, ClinGen allele CA10588752.

ClinVar aggregate classification (germline): Pathogenic/Likely pathogenic. Review status: criteria provided, multiple submitters, no conflicts (2 of 4 stars). 3 submissions from 3 submitters: Pathogenic (2); Likely pathogenic (1). Last evaluated 2021-09-08.

Conditions:
L1 syndrome. Identifiers: Orphanet 275543, MedGen C5779710, MONDO:0017140.
Spastic paraplegia. Identifiers: MedGen C0037772, HP:0001258.

Submissions (3):

Labcorp Genetics (formerly Invitae), Labcorp
Classification: Pathogenic for Spastic paraplegia. Last evaluated: 2021-09-08. Review status: criteria provided, single submitter. Criteria: Invitae Variant Classification Sherloc (09022015). Collection method: clinical testing. Allele origin: germline.
Comment: This sequence change falls in intron 5 of the L1CAM gene. It does not directly change the encoded amino acid sequence of the L1CAM protein. RNA analysis indicates that this variant induces altered splicing and may result in an absent or disrupted protein product. This variant is not present in population databases (ExAC no frequency). This variant has been observed in individuals with L1CAM-related conditions (PMID: 15108295). It has also been observed to segregate with disease in related individuals. ClinVar contains an entry for this variant (Variation ID: 265222). Studies have shown that this variant results in altered splicing and introduces a premature termination codon (PMID: 15108295). The resulting mRNA is expected to undergo nonsense-mediated decay. For these reasons, this variant has been classified as Pathogenic.

Women's Health and Genetics/Laboratory Corporation of America, LabCorp
Classification: Likely pathogenic for L1 syndrome. Last evaluated: 2021-07-15. Review status: criteria provided, single submitter. Criteria: LabCorp Variant Classification Summary - May 2015. Collection method: clinical testing. Allele origin: germline.
Comment: Variant summary: L1CAM c.523+12C>T alters a non-conserved nucleotide located close to a canonical splice site and therefore could affect mRNA splicing, leading to a significantly altered protein sequence. Several computational tools predict a significant impact on normal splicing: Four predict the variant creates a cryptic 5 donor site. At least one publication reports experimental evidence that this variant generated a new splice donor site and resulted in aberrant splice product (Hubner_2004). The variant was absent in 183107 control chromosomes (gnomAD and publication data). c.523+12C>T has been reported in the literature in individuals affected with hydrocephalus in combination with adducted thumbs and co-segregated with the disease (Finckh_2000, Hubner_2004, Adle-Biassette_2013). These data indicate that the variant may be associated with disease. One ClinVar submitter (evaluation after 2014) cites the variant as pathogenic. Based on the evidence outlined above, the variant was classified as likely pathogenic.

GeneDx
Classification: Pathogenic. Last evaluated: 2017-04-24. Review status: criteria provided, single submitter. Criteria: GeneDx Variant Classification (06012015). Collection method: clinical testing. Allele origin: germline. Affected: yes.
Comment: The c.523+12 C>T splice site variant in the L1CAM gene has been reported previously as a a pathogenic variant and as a variant of unknown significance in association with hydrocephalus and adducted thumbs (Finckh et al. 2000; Hubner et al., 2004). Hubner et al., reported the c.523+12 C>T splice site variant in two families and indicated that the variant co-segregated with the disease phenotype in these families. RNA studies indicated the generation of new splice donor site (Hubner et al., 2004). The c.523+12 C>T variant was not observed in approximately 6,500 individuals of European and African American ancestry in the NHLBI Exome Sequencing Project, indicating it is not a common benign variant in these populations. This variant either destroys or reduces the quality of the splice donor site in intron 5, and is expected to cause abnormal gene splicing.

Literature cited by the submitters: PubMed 15108295 (cited by Labcorp Genetics (formerly Invitae), Labcorp and Women's Health and Genetics/Laboratory Corporation of America, LabCorp); PubMed 23820807 (cited by Women's Health and Genetics/Laboratory Corporation of America, LabCorp); PubMed 10797421 (cited by Women's Health and Genetics/Laboratory Corporation of America, LabCorp); PubMed 11438988 (cited by Women's Health and Genetics/Laboratory Corporation of America, LabCorp).